The following is an entry in ClinVar:

NM_198578.4(LRRK2):c.4331C>A (p.Ser1444Tyr)

Gene: LRRK2 (leucine rich repeat kinase 2; plus strand). Cytogenetic location: 12q12.
Variant type: single nucleotide variant.
Coding change: c.4331C>A on transcript NM_198578.4 (MANE Select); coding-DNA position 4331, C replaced by A.
Protein change: p.Ser1444Tyr; replaces serine 1444 with tyrosine.
Molecular consequence: missense variant.
Genome position (GRCh38, 1-based): chr12:40,310,444, C>A. VCF-style: chr12-40310444-C-A. GRCh37 (hg19) VCF-style: chr12-40704246-C-A.
Other names: short protein forms S1444Y.
Identifiers: ClinVar variation 2562428 (VCV002562428.3), dbSNP rs774322580, ClinGen allele CA6514163.
Genomic context (GRCh38, chr12:40,310,444, plus strand): 5'-CCCAGTTTGAAAGCAAACACAAGAGGGTTTTGTGTCTTTCCCTCCAGGCTCGCGCTTCTT[C>A]TTCCCCTGTGATTCTCGTTGGCACACATTTGGATGTTTCTGATGAGAAGCAACGCAAAGC-3'
Protein context (NP_940980.4, residues 1434-1454): WLFNIKARAS[Ser1444Tyr]SPVILVGTHL

ClinVar aggregate classification (germline): Uncertain significance. Review status: criteria provided, multiple submitters, no conflicts (2 of 4 stars). 2 submissions from 2 submitters: Uncertain significance (2). Last evaluated 2024-08-21.

Conditions:
Inborn genetic diseases. Identifiers: MedGen C0950123, MeSH D030342.

Allele frequency attached by ClinVar (database versions not stated): gnomAD exomes below 0.00001; TOPMed below 0.00001; ExAC 0.00002.
gnomAD v4.1: 2 of 1,613,254 alleles (0.00012%); highest among the groups gnomAD compares: Admixed American, 0.0033%; no homozygotes.

Submissions (2):

GeneDx
Classification: Uncertain significance. Last evaluated: 2024-08-21. Review status: criteria provided, single submitter. Criteria: GeneDx Variant Classification Process June 2021. Collection method: clinical testing. Allele origin: germline. Affected: yes.
Comment: In silico analysis indicates that this missense variant does not alter protein structure/function; Has not been previously published as pathogenic or benign to our knowledge

Ambry Genetics
Classification: Uncertain significance for Inborn genetic diseases. Last evaluated: 2023-03-27. Review status: criteria provided, single submitter. Criteria: Ambry Variant Classification Scheme 2023. Collection method: clinical testing. Allele origin: germline.
Comment: The p.S1444Y variant (also known as c.4331C>A), located in coding exon 31 of the LRRK2 gene, results from a C to A substitution at nucleotide position 4331. The serine at codon 1444 is replaced by tyrosine, an amino acid with dissimilar properties. This amino acid position is conserved. In addition, the in silico prediction for this alteration is inconclusive. Since supporting evidence is limited at this time, the clinical significance of this alteration remains unclear.